The following is an entry in ClinVar:

ClinVar aggregate classification (germline): Uncertain significance (1 of 4 stars; one submission).

gnomAD v4.1: 1 of 1,613,648 alleles (0.000062%); highest among the groups gnomAD compares: South Asian, 0.0011%; no homozygotes.

Submission:

GeneDx
Classification: Uncertain significance. Last evaluated: 2018-05-18. Review status: criteria provided, single submitter. Criteria: GeneDx Variant Classification (06012015). Collection method: clinical testing. Allele origin: germline. Affected: yes.
Comment: The D506E variant in the RARS2 gene has not been reported previously as a pathogenic variant, nor as a benign variant, to our knowledge. The D506E variant is not observed in large population cohorts (Lek et al., 2016). The D506E variant is a conservative amino acid substitution, which is not likely to impact secondary protein structure as these residues share similar properties. In silico analyses, including protein predictors and evolutionary conservation, support that this variant does not alter protein structure/function. We interpret D506E as a variant of uncertain significance.

NM_020320.5(RARS2):c.1518C>A (p.Asp506Glu)

Gene: RARS2 (arginyl-tRNA synthetase 2, mitochondrial; minus strand). Cytogenetic location: 6q15.
Variant type: single nucleotide variant.
Coding change: c.1518C>A on transcript NM_020320.5 (MANE Select); coding-DNA position 1518, C replaced by A.
Protein change: p.Asp506Glu; replaces aspartic acid 506 with glutamic acid.
Molecular consequence: missense variant. On other transcripts: non-coding transcript variant (23).
Genome position (GRCh38, 1-based): chr6:87,516,874, G>T on the plus strand (C>A on the coding strand, the complement: RARS2 is on the minus strand). VCF-style: chr6-87516874-G-T. GRCh37 (hg19) VCF-style: chr6-88226592-G-T.
Other names: c.993C>A, p.Asp331Glu (NM_001318785.2, NM_001350506.2, NM_001350507.2 and 4 more transcripts); c.1518C>A, p.Asp506Glu (NM_001350505.2); short protein forms D506E, D331E.
Identifiers: ClinVar variation 546206 (VCV000546206.2), dbSNP rs754538094, ClinGen allele CA364920116.
Genomic context (GRCh38, chr6:87,516,874, plus strand): 5'-TAGAAGGTAACTGACGATATGCCTGGGTTGAAAGTCCTGAGATGATTTATAAAGCACCTC[G>T]TCGAACCTAAAAGATGACAGGAACAGTGAACAGGAAAAGACTGTACACATTACACTAAGA-3'
Protein context (NP_064716.2, residues 496-516): VSILQHLLRF[Asp506Glu]EVLYKSSQDF